The following is an entry in ClinVar:

NM_015726.4(DCAF8):c.612C>T (p.Arg204=)

Gene: DCAF8 (DDB1 and CUL4 associated factor 8; minus strand). Cytogenetic location: 1q23.2.
Variant type: single nucleotide variant.
Coding change: c.612C>T on transcript NM_015726.4 (MANE Select); coding-DNA position 612, C replaced by T.
Protein change: p.Arg204=; no amino-acid change (arginine 204 retained).
Molecular consequence: synonymous variant. On other transcripts: non-coding transcript variant (4).
Genome position (GRCh38, 1-based): chr1:160,239,808, G>A on the plus strand (C>T on the coding strand, the complement: DCAF8 is on the minus strand). VCF-style: chr1-160239808-G-A. GRCh37 (hg19) VCF-style: chr1-160209598-G-A.
Other names: c.612C>T (NM_015726.3).
Identifiers: ClinVar variation 2639498 (VCV002639498.27), dbSNP rs144644529, ClinGen allele CA1196930.
Genomic context (GRCh38, chr1:160,239,808, plus strand): 5'-CCGTACCCAATCCCACACCACCACCTTCAGGTCATCGCTGCCACTGGCCAGCCAGGTGCC[G>A]CGCTGGTTAAAGTGCAGGGTATTGACACAACCAGTATGGCCCTCAAGCCCATGCTGCAGG-3'
Protein context (NP_056541.2, residues 194-214): GCVNTLHFNQ[Arg204=]GTWLASGSDD

ClinVar aggregate classification (germline): Benign/Likely benign. Review status: criteria provided, multiple submitters, no conflicts (2 of 4 stars). 4 submissions from 4 submitters: Benign (1); Likely benign (3). Last evaluated 2026-04-21.

Conditions:
DCAF8-related disorder. Also called: DCAF8-related condition.

Allele frequency attached by ClinVar (database versions not stated): 1000 Genomes Project 0.00040; 1000 Genomes Project 30x 0.00047; ExAC 0.00139; TOPMed 0.00168; gnomAD 0.00177; ESP Exome Variant Server 0.00200; gnomAD exomes 0.00324.
gnomAD v4.1: 4,895 of 1,614,236 alleles (0.3%); highest among the groups gnomAD compares: Non-Finnish European, 0.39%; 12 homozygotes.

Submissions (4):

Women's Health and Genetics/Laboratory Corporation of America, LabCorp
Classification: Benign. Last evaluated: 2026-04-21. Review status: criteria provided, single submitter. Criteria: LabCorp Variant Classification Summary - May 2015. Collection method: clinical testing. Allele origin: germline.

PreventionGenetics, part of Exact Sciences
Classification: Likely benign for DCAF8-related condition. Last evaluated: 2026-03-24. Review status: criteria provided, single submitter. Criteria: ACMG Guidelines, 2015. Collection method: clinical testing. Allele origin: germline.
Comment: This variant is classified as likely benign based on ACMG/AMP sequence variant interpretation guidelines (Richards et al. 2015 PMID: 25741868, with internal and published modifications).

Blueprint Genetics
Classification: Likely benign. Last evaluated: 2024-11-20. Review status: criteria provided, single submitter. Criteria: ACMG Guidelines, 2015. Collection method: clinical testing. Allele origin: germline.

CeGaT Center for Human Genetics Tuebingen
Classification: Likely benign. Last evaluated: 2023-12-01. Review status: criteria provided, single submitter. Criteria: CeGaT Center For Human Genetics Tuebingen Variant Classification Criteria Version 2. Collection method: clinical testing. Allele origin: germline. Affected: yes. Observed: 5 variant alleles.
Comment: DCAF8: BP4, BP7, BS2